The following is an entry in ClinVar:

NM_005807.6(PRG4):c.185G>A (p.Arg62Lys)

Gene: PRG4 (proteoglycan 4; plus strand). Cytogenetic location: 1q31.1.
Variant type: single nucleotide variant.
Coding change: c.185G>A on transcript NM_005807.6 (MANE Select); coding-DNA position 185, G replaced by A.
Protein change: p.Arg62Lys; replaces arginine 62 with lysine.
Molecular consequence: missense variant. On other transcripts: intron variant (2).
Genome position (GRCh38, 1-based): chr1:186,300,199, G>A. VCF-style: chr1-186300199-G-A. GRCh37 (hg19) VCF-style: chr1-186269331-G-A.
Other names: c.185G>A, p.Arg62Lys (NM_001127709.3, NM_001303232.2); c.77-1393G>A (NM_001127708.3, NM_001127710.3); c.185G>A (NM_005807.3); short protein forms R62K.
Identifiers: ClinVar variation 3034776 (VCV003034776.3), dbSNP rs151088367, ClinGen allele CA1295746.
Genomic context (GRCh38, chr1:186,300,199, plus strand): 5'-CCACCTGCAACTGTGATTATAACTGTCAACACTACATGGAGTGCTGCCCTGATTTCAAGA[G>A]AGTCTGCACTGCGGGTAAGTCCTGAGAGCGGGTGTCTCCTCTGTCAAGCAACACTGCGAG-3'
Protein context (NP_005798.3, residues 52-72): HYMECCPDFK[Arg62Lys]VCTAELSCKG

ClinVar aggregate classification (germline): Likely benign. Review status: criteria provided, single submitter (1 of 4 stars). 2 submissions from 2 submitters: Likely benign (1). 1 of the submissions does not count toward it. Last evaluated 2024-06-11.

Conditions:
PRG4-related disorder. Also called: PRG4-related condition.
Inborn genetic diseases. Identifiers: MedGen C0950123, MeSH D030342.

Allele frequency attached by ClinVar (database versions not stated): gnomAD 0.00097; TOPMed 0.00099; ESP Exome Variant Server 0.00131; 1000 Genomes Project 0.00160; 1000 Genomes Project 30x 0.00172.

Submissions (2):

Ambry Genetics
Classification: Likely benign for Inborn genetic diseases. Last evaluated: 2024-06-11. Review status: criteria provided, single submitter. Criteria: Ambry Variant Classification Scheme 2023. Collection method: clinical testing. Allele origin: germline.

PreventionGenetics, part of Exact Sciences
Classification: Likely benign for PRG4-related condition. Last evaluated: 2023-10-18. Review status: no assertion criteria provided. Collection method: clinical testing. Allele origin: germline. Not counted in ClinVar's aggregate classification.
Comment: This variant is classified as likely benign based on ACMG/AMP sequence variant interpretation guidelines (Richards et al. 2015 PMID: 25741868, with internal and published modifications).